The following is an entry in ClinVar:

NM_000264.5(PTCH1):c.1150C>T (p.His384Tyr)

Gene: PTCH1 (patched 1; minus strand). Cytogenetic location: 9q22.32.
Variant type: single nucleotide variant.
Coding change: c.1150C>T on transcript NM_000264.5 (MANE Select); coding-DNA position 1150, C replaced by T.
Protein change: p.His384Tyr; replaces histidine 384 with tyrosine.
Molecular consequence: missense variant. On other transcripts: non-coding transcript variant (1).
Genome position (GRCh38, 1-based): chr9:95,479,065, G>A on the plus strand (C>T on the coding strand, the complement: PTCH1 is on the minus strand). VCF-style: chr9-95479065-G-A. GRCh37 (hg19) VCF-style: chr9-98241347-G-A.
Other names: c.952C>T, p.His318Tyr (NM_001083602.3); c.1147C>T, p.His383Tyr (NM_001083603.3); c.697C>T, p.His233Tyr (NM_001083604.3, NM_001083605.3, NM_001083606.3 and 1 more transcripts); c.1150C>T, p.His384Tyr (NM_001354918.2); short protein forms H318Y, H383Y, H233Y, H384Y.
Identifiers: ClinVar variation 2769777 (VCV002769777.3), dbSNP rs2118365949, ClinGen allele CA374119352.

ClinVar aggregate classification (germline): Uncertain significance (1 of 4 stars; one submission).

Conditions:
Gorlin syndrome. Also called: Nevoid Basal Cell Carcinoma Syndrome; Basal cell nevus syndrome. Identifiers: Orphanet 377, MedGen C0004779, MONDO:0007187.

Submission:

Labcorp Genetics (formerly Invitae), Labcorp
Classification: Uncertain significance for Gorlin syndrome. Last evaluated: 2023-10-18. Review status: criteria provided, single submitter. Criteria: Invitae Variant Classification Sherloc (09022015). Collection method: clinical testing. Allele origin: germline.
Comment: This sequence change replaces histidine, which is basic and polar, with tyrosine, which is neutral and polar, at codon 384 of the PTCH1 protein (p.His384Tyr). This variant is not present in population databases (gnomAD no frequency). This variant has not been reported in the literature in individuals affected with PTCH1-related conditions. Advanced modeling of protein sequence and biophysical properties (such as structural, functional, and spatial information, amino acid conservation, physicochemical variation, residue mobility, and thermodynamic stability) performed at Invitae indicates that this missense variant is not expected to disrupt PTCH1 protein function. In summary, the available evidence is currently insufficient to determine the role of this variant in disease. Therefore, it has been classified as a Variant of Uncertain Significance.